The following is an entry in ClinVar:

ClinVar aggregate classification (germline): Uncertain significance (1 of 4 stars; one submission).

Submission:

Ambry Genetics
Classification: Uncertain significance. Last evaluated: 2022-02-06. Review status: criteria provided, single submitter. Criteria: Ambry Variant Classification Scheme 2023. Collection method: clinical testing. Allele origin: germline.
Comment: The p.Q473E variant (also known as c.1417C>G), located in coding exon 1 of the MLH3 gene, results from a C to G substitution at nucleotide position 1417. The glutamine at codon 473 is replaced by glutamic acid, an amino acid with highly similar properties. This amino acid position is conserved. In addition, this alteration is predicted to be tolerated by in silico analysis. Since supporting evidence is limited at this time, the clinical significance of this alteration remains unclear.

NM_001040108.2(MLH3):c.1417C>G (p.Gln473Glu)

Gene: MLH3 (mutL homolog 3; minus strand). Cytogenetic location: 14q24.3.
Variant type: single nucleotide variant.
Coding change: c.1417C>G on transcript NM_001040108.2 (MANE Select); coding-DNA position 1417, C replaced by G.
Protein change: p.Gln473Glu; replaces glutamine 473 with glutamic acid.
Molecular consequence: missense variant.
Genome position (GRCh38, 1-based): chr14:75,048,239, G>C on the plus strand (C>G on the coding strand, the complement: MLH3 is on the minus strand). VCF-style: chr14-75048239-G-C. GRCh37 (hg19) VCF-style: chr14-75514942-G-C.
Other names: c.1417C>G, p.Gln473Glu (NM_014381.3); short protein forms Q473E.
Identifiers: ClinVar variation 1772155 (VCV001772155.2), dbSNP rs2503296112, ClinGen allele CA390445798.